The following is an entry in ClinVar:

ClinVar aggregate classification (germline): Uncertain significance. Review status: criteria provided, multiple submitters, no conflicts (2 of 4 stars). 4 submissions from 4 submitters: Uncertain significance (3). 1 of the submissions does not count toward it. Last evaluated 2026-08-12.

Conditions:
Goldmann-Favre syndrome. Identifiers: Orphanet 53540, MedGen C0339541, MONDO:0100289.
NR2E3-related disorder. Also called: NR2E3-related disorders; NR2E3-related condition. Identifiers: MedGen CN239387.

Allele frequency attached by ClinVar (database versions not stated): gnomAD exomes 0.00002; TOPMed 0.00003; ExAC 0.00004; gnomAD 0.00004 and 0.00005.

Submissions (4):

PreventionGenetics, part of Exact Sciences
Classification: Uncertain significance for NR2E3-related condition. Last evaluated: 2026-08-12. Review status: criteria provided, single submitter. Criteria: ACMG Guidelines, 2015. Collection method: clinical testing. Allele origin: germline.
Comment: The NR2E3 c.1024G>A variant is predicted to result in the amino acid substitution p.Val342Ile. To our knowledge, this variant has not been reported in the literature. This variant is reported in 0.0042% of alleles in individuals of African descent in gnomAD. At this time, the clinical significance of this variant is uncertain due to the absence of conclusive functional and genetic evidence.

Labcorp Genetics (formerly Invitae), Labcorp
Classification: Uncertain significance. Last evaluated: 2025-06-12. Review status: criteria provided, single submitter. Criteria: Invitae Variant Classification Sherloc (09022015). Collection method: clinical testing. Allele origin: germline.
Comment: This sequence change replaces valine, which is neutral and non-polar, with isoleucine, which is neutral and non-polar, at codon 342 of the NR2E3 protein (p.Val342Ile). This variant is present in population databases (rs757270261, gnomAD 0.004%). This variant has not been reported in the literature in individuals affected with NR2E3-related conditions. ClinVar contains an entry for this variant (Variation ID: 991934). Invitae Evidence Modeling of protein sequence and biophysical properties (such as structural, functional, and spatial information, amino acid conservation, physicochemical variation, residue mobility, and thermodynamic stability) indicates that this missense variant is not expected to disrupt NR2E3 protein function with a negative predictive value of 80%. This variant disrupts the p.Val342 amino acid residue in NR2E3. Other variant(s) that disrupt this residue have been determined to be pathogenic (PMID: 25079116). This suggests that this residue is clinically significant, and that variants that disrupt this residue are likely to be disease-causing. In summary, the available evidence is currently insufficient to determine the role of this variant in disease. Therefore, it has been classified as a Variant of Uncertain Significance.

Blueprint Genetics
Classification: Uncertain significance. Last evaluated: 2022-12-09. Review status: criteria provided, single submitter. Criteria: ACMG Guidelines, 2015. Collection method: clinical testing. Allele origin: germline.

Natera, Inc.
Classification: Uncertain significance for Goldmann-Favre syndrome. Last evaluated: 2020-10-07. Review status: no assertion criteria provided. Collection method: clinical testing. Allele origin: germline. Not counted in ClinVar's aggregate classification.

Literature cited by the submitters: PubMed 25079116 (cited by Labcorp Genetics (formerly Invitae), Labcorp).

NM_014249.4(NR2E3):c.1024G>A (p.Val342Ile)

Gene: NR2E3 (nuclear receptor subfamily 2 group E member 3; plus strand). Cytogenetic location: 15q23.
Variant type: single nucleotide variant.
Coding change: c.1024G>A on transcript NM_014249.4 (MANE Select); coding-DNA position 1024, G replaced by A.
Protein change: p.Val342Ile; replaces valine 342 with isoleucine.
Molecular consequence: missense variant.
Genome position (GRCh38, 1-based): chr15:71,814,041, G>A. VCF-style: chr15-71814041-G-A. GRCh37 (hg19) VCF-style: chr15-72106382-G-A.
Other names: c.1024G>A, p.Val342Ile (NM_016346.4); c.1024G>A (NM_014249.3); short protein forms V342I.
Identifiers: ClinVar variation 991934 (VCV000991934.7), dbSNP rs757270261, ClinGen allele CA7640480.